The following is an entry in ClinVar:

ClinVar aggregate classification (germline): Uncertain significance. Review status: criteria provided, multiple submitters, no conflicts (2 of 4 stars). 2 submissions from 2 submitters: Uncertain significance (2). Last evaluated 2025-09-24.

Allele frequency attached by ClinVar (database versions not stated): ExAC 0.00001.
gnomAD v4.1: 4 of 1,613,652 alleles (0.00025%); highest among the groups gnomAD compares: Non-Finnish European, 0.00025%; no homozygotes.

Submissions (2):

Ambry Genetics
Classification: Uncertain significance. Last evaluated: 2025-09-24. Review status: criteria provided, single submitter. Criteria: Ambry Variant Classification Scheme 2023. Collection method: clinical testing. Allele origin: germline.

Labcorp Genetics (formerly Invitae), Labcorp
Classification: Uncertain significance. Last evaluated: 2025-09-09. Review status: criteria provided, single submitter. Criteria: Invitae Variant Classification Sherloc (09022015). Collection method: clinical testing. Allele origin: germline.
Comment: This sequence change replaces leucine, which is neutral and non-polar, with methionine, which is neutral and non-polar, at codon 834 of the TAOK2 protein (p.Leu834Met). This variant is present in population databases (rs770390468, gnomAD 0.0009%). This variant has not been reported in the literature in individuals affected with TAOK2-related conditions. ClinVar contains an entry for this variant (Variation ID: 2877530). An algorithm developed to predict the effect of missense changes on protein structure and function (PolyPhen-2) suggests that this variant is likely to be tolerated. In summary, the available evidence is currently insufficient to determine the role of this variant in disease. Therefore, it has been classified as a Variant of Uncertain Significance.

NM_016151.4(TAOK2):c.2500C>A (p.Leu834Met)

Gene: TAOK2 (TAO kinase 2; plus strand). Cytogenetic location: 16p11.2.
Variant type: single nucleotide variant.
Coding change: c.2500C>A on transcript NM_016151.4 (MANE Select); coding-DNA position 2500, C replaced by A.
Protein change: p.Leu834Met; replaces leucine 834 with methionine.
Molecular consequence: missense variant. On other transcripts: intron variant (2).
Genome position (GRCh38, 1-based): chr16:29,986,772, C>A. VCF-style: chr16-29986772-C-A. GRCh37 (hg19) VCF-style: chr16-29998093-C-A.
Other names: c.2500C>A (NM_016151.2); c.2232+268C>A (NM_004783.4); c.2233-72C>A (NM_001252043.2); short protein forms L834M.
Identifiers: ClinVar variation 2877530 (VCV002877530.4), dbSNP rs770390468, ClinGen allele CA7998396.